The following is an entry in ClinVar:

NM_000535.7(PMS2):c.1382C>A (p.Ala461Asp)

Gene: PMS2 (PMS1 homolog 2, mismatch repair system component; minus strand). Cytogenetic location: 7p22.1.
Variant type: single nucleotide variant.
Coding change: c.1382C>A on transcript NM_000535.7 (MANE Select); coding-DNA position 1382, C replaced by A.
Protein change: p.Ala461Asp; replaces alanine 461 with aspartic acid.
Molecular consequence: missense variant. On other transcripts: non-coding transcript variant (1).
Genome position (GRCh38, 1-based): chr7:5,987,383, G>T on the plus strand (C>A on the coding strand, the complement: PMS2 is on the minus strand). VCF-style: chr7-5987383-G-T. GRCh37 (hg19) VCF-style: chr7-6027014-G-T.
Other names: c.977C>A, p.Ala326Asp (NM_001018040.1, NM_001322003.2, NM_001322004.2 and 17 more transcripts); c.1226C>A, p.Ala409Asp (NM_001322006.2, NM_001406870.1); c.1064C>A, p.Ala355Asp (NM_001322007.2, NM_001322008.2, NM_001406876.1 and 2 more transcripts); c.821C>A, p.Ala274Asp (NM_001322010.2, NM_001406906.1, NM_001406907.1); c.449C>A, p.Ala150Asp (NM_001322011.2, NM_001322012.2); c.809C>A, p.Ala270Asp (NM_001322013.2, NM_001406909.1); c.1382C>A, p.Ala461Asp (NM_001322014.2, NM_001406871.1, NM_001406872.1); c.1073C>A, p.Ala358Asp (NM_001322015.2, NM_001406875.1, NM_001406877.1 and 5 more transcripts); and 12 more; short protein forms A306D, A523D, A303D, A326D, A461D, A290D, A349D, A358D.
Identifiers: ClinVar variation 1771313 (VCV001771313.2), dbSNP rs1060503133, ClinGen allele CA366742182.
Genomic context (GRCh38, chr7:5,987,383, plus strand): 5'-GGTCCGTGACTGGAACTCACTGCCTCTTTCTGAGGTCTCAGGACGCCTTTGTCAGAGATG[G>T]CACCTGAAGTGCTAGAAGACAGCATACCCCTTTTCTGTCCTAGAGGGCTCCTTCTTGGTT-3'
Protein context (NP_000526.2, residues 451-471): RGMLSSSTSG[Ala461Asp]ISDKGVLRPQ

ClinVar aggregate classification (germline): Uncertain significance (1 of 4 stars; one submission).

Conditions:
Hereditary cancer-predisposing syndrome. Also called: Hereditary Cancer Syndrome; Hereditary neoplastic syndrome; Neoplastic Syndromes, Hereditary; Tumor predisposition. Identifiers: Orphanet 140162, MedGen C0027672, MeSH D009386, MONDO:0015356.

Submission:

Ambry Genetics
Classification: Uncertain significance for Hereditary cancer-predisposing syndrome. Last evaluated: 2021-05-19. Review status: criteria provided, single submitter. Criteria: Ambry Variant Classification Scheme 2023. Collection method: clinical testing. Allele origin: germline.
Comment: The p.A461D variant (also known as c.1382C>A), located in coding exon 11 of the PMS2 gene, results from a C to A substitution at nucleotide position 1382. The alanine at codon 461 is replaced by aspartic acid, an amino acid with dissimilar properties. This amino acid position is poorly conserved in available vertebrate species. In addition, this alteration is predicted to be tolerated by in silico analysis. Since supporting evidence is limited at this time, the clinical significance of this alteration remains unclear.